The following is an entry in ClinVar:

ClinVar aggregate classification (germline): Benign/Likely benign. Review status: criteria provided, multiple submitters, no conflicts (2 of 4 stars). 4 submissions from 4 submitters: Benign (1); Likely benign (2). 1 of the submissions does not count toward it. Last evaluated 2026-01-29.

Conditions:
BBS9-related disorder. Also called: BBS9-related condition.
Bardet-Biedl syndrome 9 (BBS9). Identifiers: Orphanet 110, MedGen C1859567, MONDO:0014437, OMIM 615986.
Bardet-Biedl syndrome (BBS). Identifiers: Orphanet 110, MedGen C0752166, MONDO:0015229.

Allele frequency attached by ClinVar (database versions not stated): gnomAD 0.00034 and 0.00054; ExAC 0.00097; gnomAD exomes 0.00099; TOPMed 0.00153; 1000 Genomes Project 30x 0.00172; 1000 Genomes Project 0.00180.
gnomAD v4.1: 565 of 1,613,494 alleles (0.035%); highest among the groups gnomAD compares: East Asian, 1%; 3 homozygotes.

Submissions (4):

Labcorp Genetics (formerly Invitae), Labcorp
Classification: Benign for Bardet-Biedl syndrome. Last evaluated: 2026-01-29. Review status: criteria provided, single submitter. Criteria: Invitae Variant Classification Sherloc (09022015). Collection method: clinical testing. Allele origin: germline.

Blueprint Genetics
Classification: Likely benign. Last evaluated: 2024-11-08. Review status: criteria provided, single submitter. Criteria: ACMG Guidelines, 2015. Collection method: clinical testing. Allele origin: germline.

Illumina Laboratory Services, Illumina
Classification: Likely benign for Bardet-Biedl syndrome 9. Last evaluated: 2018-01-13. Review status: criteria provided, single submitter. Criteria: ICSL Variant Classification Criteria 13 December 2019. Collection method: clinical testing. Allele origin: germline.
Comment: This variant was observed in the ICSL laboratory as part of a predisposition screen in an ostensibly healthy population. It had not been previously curated by ICSL or reported in the Human Gene Mutation Database (HGMD: prior to June 1st, 2018), and was therefore a candidate for classification through an automated scoring system. Utilizing variant allele frequency, disease prevalence and penetrance estimates, and inheritance mode, an automated score was calculated to assess if this variant is too frequent to cause the disease. Based on the score and internal cut-off values, a variant classified as likely benign is not then subjected to further curation. The score for this variant resulted in a classification of likely benign for this disease.

PreventionGenetics, part of Exact Sciences
Classification: Benign for BBS9-related condition. Last evaluated: 2019-06-06. Review status: no assertion criteria provided. Collection method: clinical testing. Allele origin: germline. Not counted in ClinVar's aggregate classification.
Comment: This variant is classified as benign based on ACMG/AMP sequence variant interpretation guidelines (Richards et al. 2015 PMID: 25741868, with internal and published modifications).

NM_198428.3(BBS9):c.1245C>T (p.Val415=)

Gene: BBS9 (Bardet-Biedl syndrome 9; plus strand). Cytogenetic location: 7p14.3.
Variant type: single nucleotide variant.
Coding change: c.1245C>T on transcript NM_198428.3 (MANE Select); coding-DNA position 1245, C replaced by T.
Protein change: p.Val415=; no amino-acid change (valine 415 retained).
Molecular consequence: synonymous variant. On other transcripts: non-coding transcript variant (3).
Genome position (GRCh38, 1-based): chr7:33,340,943, C>T. VCF-style: chr7-33340943-C-T. GRCh37 (hg19) VCF-style: chr7-33380555-C-T.
Other names: c.1245C>T, p.Val415= (NM_001033604.2, NM_001033605.2, NM_001348036.1 and 5 more transcripts); c.879C>T, p.Val293= (NM_001348037.3, NM_001348044.3, NM_001348045.3 and 1 more transcripts); c.972C>T, p.Val324= (NM_001348038.3, NM_001348039.3); c.1110C>T, p.Val370= (NM_001348042.3).
Identifiers: ClinVar variation 698748 (VCV000698748.17), dbSNP rs61764066, ClinGen allele CA4214228.
Genomic context (GRCh38, chr7:33,340,943, plus strand): 5'-TTTTTAAATCACAGGTGTTTGGCCCATGACTGAGAGAGAAGATGACTTGAACGTTTCTGT[C>T]GTGGTTTCTCCTAACTTTGATTCAGTTTCTGTAGGTGTACTTGCAGATTTTAAAGGGGTT-3'
Protein context (NP_940820.1, residues 405-425): TEREDDLNVS[Val415=]VVSPNFDSVS